The following is an entry in ClinVar:

ClinVar aggregate classification (germline): Uncertain significance (1 of 4 stars; one submission).

Conditions:
Congenital disorder of glycosylation type 1E (CDG1E). Also called: CONGENITAL DISORDER OF GLYCOSYLATION, TYPE Ie; CDG Ie. Identifiers: Orphanet 79322, MedGen C1837396, MONDO:0012123, OMIM 608799.

Submission:

Labcorp Genetics (formerly Invitae), Labcorp
Classification: Uncertain significance for Congenital disorder of glycosylation type 1E. Last evaluated: 2024-10-30. Review status: criteria provided, single submitter. Criteria: Invitae Variant Classification Sherloc (09022015). Collection method: clinical testing. Allele origin: germline.
Comment: This sequence change replaces phenylalanine, which is neutral and non-polar, with serine, which is neutral and polar, at codon 51 of the DPM1 protein (p.Phe51Ser). This variant is not present in population databases (gnomAD no frequency). This variant has not been reported in the literature in individuals affected with DPM1-related conditions. An algorithm developed to predict the effect of missense changes on protein structure and function (PolyPhen-2) suggests that this variant is likely to be tolerated. In summary, the available evidence is currently insufficient to determine the role of this variant in disease. Therefore, it has been classified as a Variant of Uncertain Significance.

NM_003859.3(DPM1):c.152T>C (p.Phe51Ser)

Genes: DPM1 (dolichyl-phosphate mannosyltransferase subunit 1, catalytic; minus strand), LOC130066166 (ATAC-STARR-seq lymphoblastoid active region 18108; plus strand). Cytogenetic location: 20q13.13.
Variant type: single nucleotide variant.
Coding change: c.152T>C on transcript NM_003859.3 (MANE Select); coding-DNA position 152, T replaced by C.
Protein change: p.Phe51Ser; replaces phenylalanine 51 with serine.
Molecular consequence: missense variant. On other transcripts: non-coding transcript variant (1).
Genome position (GRCh38, 1-based): chr20:50,958,372, A>G on the plus strand (T>C on the coding strand, the complement: DPM1 is on the minus strand). VCF-style: chr20-50958372-A-G. GRCh37 (hg19) VCF-style: chr20-49574909-A-G.
Other names: c.152T>C, p.Phe51Ser (NM_001317034.1, NM_001317035.1, NM_001317036.1); short protein forms F51S.
Identifiers: ClinVar variation 3695738 (VCV003695738.2).